The following is an entry in ClinVar:

NM_001457.4(FLNB):c.5621G>A (p.Gly1874Glu)

Gene: FLNB (filamin B; plus strand). Cytogenetic location: 3p14.3.
Variant type: single nucleotide variant.
Coding change: c.5621G>A on transcript NM_001457.4 (MANE Select); coding-DNA position 5621, G replaced by A.
Protein change: p.Gly1874Glu; replaces glycine 1874 with glutamic acid.
Molecular consequence: missense variant.
Genome position (GRCh38, 1-based): chr3:58,146,886, G>A. VCF-style: chr3-58146886-G-A. GRCh37 (hg19) VCF-style: chr3-58132613-G-A.
Other names: c.5714G>A, p.Gly1905Glu (NM_001164317.2); c.5588G>A, p.Gly1863Glu (NM_001164318.2); c.5549G>A, p.Gly1850Glu (NM_001164319.2); short protein forms G1850E, G1874E, G1905E, G1863E.
Identifiers: ClinVar variation 4774677 (VCV004774677.1).

ClinVar aggregate classification (germline): Uncertain significance (1 of 4 stars; one submission).

Submission:

Labcorp Genetics (formerly Invitae), Labcorp
Classification: Uncertain significance. Last evaluated: 2025-05-11. Review status: criteria provided, single submitter. Criteria: Invitae Variant Classification Sherloc (09022015). Collection method: clinical testing. Allele origin: germline.
Comment: This sequence change replaces glycine, which is neutral and non-polar, with glutamic acid, which is acidic and polar, at codon 1874 of the FLNB protein (p.Gly1874Glu). This variant is not present in population databases (gnomAD no frequency). This variant has not been reported in the literature in individuals affected with FLNB-related conditions. Invitae Evidence Modeling of protein sequence and biophysical properties (such as structural, functional, and spatial information, amino acid conservation, physicochemical variation, residue mobility, and thermodynamic stability) has been performed for this missense variant. However, the output from this modeling did not meet the statistical confidence thresholds required to predict the impact of this variant on FLNB protein function. In summary, the available evidence is currently insufficient to determine the role of this variant in disease. Therefore, it has been classified as a Variant of Uncertain Significance.